The following is an entry in ClinVar:

NM_004329.3(BMPR1A):c.377G>T (p.Arg126Leu)

Gene: BMPR1A (bone morphogenetic protein receptor type 1A; plus strand). Cytogenetic location: 10q23.2.
Variant type: single nucleotide variant.
Coding change: c.377G>T on transcript NM_004329.3 (MANE Select); coding-DNA position 377, G replaced by T.
Protein change: p.Arg126Leu; replaces arginine 126 with leucine.
Molecular consequence: missense variant.
Genome position (GRCh38, 1-based): chr10:86,899,837, G>T. VCF-style: chr10-86899837-G-T. GRCh37 (hg19) VCF-style: chr10-88659594-G-T.
Other names: short protein forms R126L.
Identifiers: ClinVar variation 220496 (VCV000220496.11), dbSNP rs864622549, ClinGen allele CA350671.

ClinVar aggregate classification (germline): Uncertain significance. Review status: criteria provided, multiple submitters, no conflicts (2 of 4 stars). 2 submissions from 2 submitters: Uncertain significance (2). Last evaluated 2022-05-27.

Conditions:
Juvenile polyposis syndrome (JPS). Identifiers: Orphanet 2929, MedGen C0345893, MONDO:0017380, OMIM 174900.

Submissions (2):

Labcorp Genetics (formerly Invitae), Labcorp
Classification: Uncertain significance for Juvenile polyposis syndrome. Last evaluated: 2022-05-27. Review status: criteria provided, single submitter. Criteria: Invitae Variant Classification Sherloc (09022015). Collection method: clinical testing. Allele origin: germline.
Comment: In summary, the available evidence is currently insufficient to determine the role of this variant in disease. Therefore, it has been classified as a Variant of Uncertain Significance. Advanced modeling of protein sequence and biophysical properties (such as structural, functional, and spatial information, amino acid conservation, physicochemical variation, residue mobility, and thermodynamic stability) performed at Invitae indicates that this missense variant is not expected to disrupt BMPR1A protein function. ClinVar contains an entry for this variant (Variation ID: 220496). This variant has not been reported in the literature in individuals affected with BMPR1A-related conditions. This variant is not present in population databases (gnomAD no frequency). This sequence change replaces arginine, which is basic and polar, with leucine, which is neutral and non-polar, at codon 126 of the BMPR1A protein (p.Arg126Leu).

GeneDx
Classification: Uncertain significance. Last evaluated: 2016-08-22. Review status: criteria provided, single submitter. Criteria: GeneDx Variant Classification (06012015). Collection method: clinical testing. Allele origin: germline. Affected: yes.
Comment: This variant is denoted BMPR1A c.377G>T at the cDNA level, p.Arg126Leu (R126L) at the protein level, and results in the change of an Arginine to a Leucine (CGG>CTG). This variant has not, to our knowledge, been published in the literature as pathogenic or benign. BMPR1A Arg126Leu was not observed in approximately 6,500 individuals of European and African American ancestry in the NHLBI Exome Sequencing Project, suggesting it is not a common benign variant in these populations. Since Arginine and Leucine differ in polarity, charge, size or other properties, this is considered a non-conservative amino acid substitution. BMPR1A Arg126Leu occurs at a position that is conserved in mammals and is located in the MH1 domain (Howe 2004). In silico analyses are inconsistent regarding the effect this variant may have on protein structure and function. Based on currently available evidence, it is unclear whether BMPR1A Arg126Leu is a pathogenic or benign variant. We consider it to be a variant of uncertain significance.